The following is an entry in ClinVar:

ClinVar aggregate classification (germline): Pathogenic (1 of 4 stars; one submission).

Submission:

Labcorp Genetics (formerly Invitae), Labcorp
Classification: Pathogenic. Last evaluated: 2025-01-23. Review status: criteria provided, single submitter. Criteria: Invitae Variant Classification Sherloc (09022015). Collection method: clinical testing. Allele origin: germline.
Comment: This sequence change creates a premature translational stop signal (p.Thr1679Lysfs*44) in the C2CD3 gene. It is expected to result in an absent or disrupted protein product. Loss-of-function variants in C2CD3 are known to be pathogenic (PMID: 24997988, 26477546). This variant is present in population databases (rs773386256, gnomAD 0.008%). This variant has not been reported in the literature in individuals affected with C2CD3-related conditions. ClinVar contains an entry for this variant (Variation ID: 2072037). For these reasons, this variant has been classified as Pathogenic.

Literature cited by the submitters: PubMed 24997988; PubMed 26477546.

NM_001286577.2(C2CD3):c.5036_5039del (p.Thr1679fs)

Gene: C2CD3 (C2 domain containing 3 centriole elongation regulator; minus strand). Cytogenetic location: 11q13.4.
Variant type: Deletion.
Coding change: c.5036_5039del on transcript NM_001286577.2 (MANE Select); coding-DNA positions 5036 to 5039, 4 bases deleted (CCCA; older notation c.5036_5039delCCCA).
Protein change: p.Thr1679fs; shifts the reading frame from threonine 1679.
Molecular consequence: frameshift variant.
Genome position (GRCh38, 1-based): chr11:74,057,457-74,057,460, TGGG deleted on the plus strand (CCCA on the coding strand, the reverse complement: C2CD3 is on the minus strand); deleting any 4 consecutive bases within chr11:74,057,457-74,057,462 gives the same sequence; the c. name uses the placement nearest the transcript's 3' end. VCF-style (leftmost placement, unchanged base first): chr11-74057456-TTGGG-T. GRCh37 (hg19) VCF-style: chr11-73768501-TTGGG-T.
Other names: c.5036_5039del, p.Thr1679fs (NM_015531.6); short protein forms T1679fs.
Identifiers: ClinVar variation 2072037 (VCV002072037.4), dbSNP rs773386256, ClinGen allele CA6182005.